The following is an entry in ClinVar:

NM_024577.4(SH3TC2):c.280-5C>T

Gene: SH3TC2 (SH3 domain and tetratricopeptide repeats 2; minus strand). Cytogenetic location: 5q32.
Variant type: single nucleotide variant.
Coding change: c.280-5C>T on transcript NM_024577.4 (MANE Select); 5 bases into the intron before coding-DNA position 280, C replaced by T.
Molecular consequence: intron variant.
Genome position (GRCh38, 1-based): chr5:149,044,643, G>A on the plus strand (C>T on the coding strand, the complement: SH3TC2 is on the minus strand). VCF-style: chr5-149044643-G-A. GRCh37 (hg19) VCF-style: chr5-148424206-G-A.
Identifiers: ClinVar variation 351922 (VCV000351922.20), dbSNP rs201937366, ClinGen allele CA3499549.
Genomic context (GRCh38, chr5:149,044,643, plus strand): 5'-GTGATGAGAAACTGGGCCCTCTGAGACTGGATACTGACCAACCTTGCTGAGAGGTCCTAC[G>A]TAAAGGAAACAATGAGTCAGCCTGGGATGACAGAAGTGTCCCATTAGCAAGCTCTTATAT-3'

ClinVar aggregate classification (germline): Conflicting classifications of pathogenicity. Review status: criteria provided, conflicting classifications (1 of 4 stars). 7 submissions from 6 submitters: Uncertain significance (4); Likely benign (3). Last evaluated 2025-12-29.

Conditions:
Inborn genetic diseases. Identifiers: MedGen C0950123, MeSH D030342.
Susceptibility to mononeuropathy of the median nerve, mild. Also called: CARPAL TUNNEL SYNDROME, SUSCEPTIBILITY TO. Identifiers: MedGen C3150596, MONDO:0013237, OMIM 613353.
Charcot-Marie-Tooth disease type 4C (CMT4C). Also called: CHARCOT-MARIE-TOOTH DISEASE, DEMYELINATING, AUTOSOMAL RECESSIVE, TYPE 4C; CMT 4C; Charcot-Marie-Tooth Neuropathy Type 4C (CMT4C); CHARCOT-MARIE-TOOTH DISEASE, DEMYELINATING, TYPE 4C; SH3TC2-Related Hereditary Motor and Sensory Neuropathy. Identifiers: Orphanet 99949, MedGen C1866636, MONDO:0011113, OMIM 601596.
Charcot-Marie-Tooth disease. Also called: Charcot-Marie-Tooth Neuropathy; Charcot-Marie-Tooth Hereditary Neuropathy. Identifiers: Orphanet 166, MedGen C0007959, MONDO:0015626.
Charcot-Marie-Tooth disease type 4. Also called: Charcot-Marie-Tooth, Type 4; Charcot-Marie-Tooth disease, type IV. Identifiers: Orphanet 64749, MedGen C4082197, MONDO:0018995.

Allele frequency attached by ClinVar (database versions not stated): ExAC 0.00006; gnomAD 0.00008 and 0.00009; gnomAD exomes 0.00010; TOPMed 0.00012; ESP Exome Variant Server 0.00023; 1000 Genomes Project 30x 0.00031; 1000 Genomes Project 0.00040.
gnomAD v4.1: 131 of 1,610,948 alleles (0.0081%); highest among the groups gnomAD compares: Middle Eastern, 0.12%; no homozygotes.

Submissions (7):

Labcorp Genetics (formerly Invitae), Labcorp
Classification: Likely benign for Charcot-Marie-Tooth disease type 4. Last evaluated: 2025-12-29. Review status: criteria provided, single submitter. Criteria: Invitae Variant Classification Sherloc (09022015). Collection method: clinical testing. Allele origin: germline.

Women's Health and Genetics/Laboratory Corporation of America, LabCorp
Classification: Uncertain significance. Last evaluated: 2024-11-27. Review status: criteria provided, single submitter. Criteria: LabCorp Variant Classification Summary - May 2015. Collection method: clinical testing. Allele origin: germline.
Comment: Variant summary: SH3TC2 c.280-5C>T alters a non-conserved nucleotide located close to a canonical splice site and therefore could affect mRNA splicing, leading to a significantly altered protein sequence. Consensus agreement among computation tools predict no significant impact on normal splicing. However, these predictions have yet to be confirmed by functional studies. The variant allele was found at a frequency of 0.0001 in 250990 control chromosomes. This frequency is not significantly higher than estimated for a pathogenic variant in SH3TC2 causing Charcot-Marie-Tooth disease type 4C, allowing no conclusion about variant significance. To our knowledge, no occurrence of c.280-5C>T in individuals affected with Charcot-Marie-Tooth disease type 4C and no experimental evidence demonstrating its impact on protein function have been reported. ClinVar contains an entry for this variant (Variation ID: 351922). Based on the evidence outlined above, the variant was classified as uncertain significance.

Ambry Genetics
Classification: Uncertain significance for Inborn genetic diseases. Last evaluated: 2022-07-05. Review status: criteria provided, single submitter. Criteria: Ambry Variant Classification Scheme 2023. Collection method: clinical testing. Allele origin: germline.
Comment: The c.280-5C>T intronic variant results from a C to T substitution 5 nucleotides upstream from coding exon 4 in the SH3TC2 gene. This nucleotide position is poorly conserved in available vertebrate species. In silico splice site analysis predicts that this alteration will not have any significant effect on splicing. Since supporting evidence is limited at this time, the clinical significance of this alteration remains unclear.

Illumina Laboratory Services, Illumina
Classification: Uncertain significance for Charcot-Marie-Tooth disease type 4C. Last evaluated: 2018-01-13. Review status: criteria provided, single submitter. Criteria: ICSL Variant Classification Criteria 13 December 2019. Collection method: clinical testing. Allele origin: germline.

Illumina Laboratory Services, Illumina
Classification: Uncertain significance for Susceptibility to mononeuropathy of the median nerve, mild. Last evaluated: 2018-01-13. Review status: criteria provided, single submitter. Criteria: ICSL Variant Classification Criteria 13 December 2019. Collection method: clinical testing. Allele origin: germline.

GeneDx
Classification: Likely benign. Last evaluated: 2017-07-12. Review status: criteria provided, single submitter. Criteria: GeneDx Variant Classification (06012015). Collection method: clinical testing. Allele origin: germline. Affected: yes.
Comment: This variant is considered likely benign or benign based on one or more of the following criteria: it is a conservative change, it occurs at a poorly conserved position in the protein, it is predicted to be benign by multiple in silico algorithms, and/or has population frequency not consistent with disease.

Molecular Genetics Laboratory, London Health Sciences Centre
Classification: Likely benign for Charcot-Marie-Tooth disease. Review status: criteria provided, single submitter. Criteria: ACMG Guidelines, 2015. Collection method: clinical testing. Allele origin: germline. Affected: yes.